The following is an entry in ClinVar:

NM_001077350.3(NPRL3):c.1298G>A (p.Arg433Gln)

Genes: HBA-LCR (alpha-globin locus control region; plus strand), NPRL3 (NPR3 like, GATOR1 complex subunit; minus strand). Cytogenetic location: 16p13.3.
Variant type: single nucleotide variant.
Coding change: c.1298G>A on transcript NM_001077350.3 (MANE Select); coding-DNA position 1298, G replaced by A.
Protein change: p.Arg433Gln; replaces arginine 433 with glutamine.
Molecular consequence: missense variant.
Genome position (GRCh38, 1-based): chr16:89,766, C>T on the plus strand (G>A on the coding strand, the complement: NPRL3 is on the minus strand). VCF-style: chr16-89766-C-T. GRCh37 (hg19) VCF-style: chr16-139764-C-T.
Other names: c.761G>A, p.Arg254Gln (NM_001039476.3); c.1064G>A, p.Arg355Gln (NM_001243247.2); c.1223G>A, p.Arg408Gln (NM_001243248.2, NM_001243249.2); short protein forms R254Q, R355Q, R408Q, R433Q.
Identifiers: ClinVar variation 962872 (VCV000962872.20), dbSNP rs781225056, ClinGen allele CA7769382.

ClinVar aggregate classification (germline): Uncertain significance. Review status: criteria provided, multiple submitters, no conflicts (2 of 4 stars). 3 submissions from 3 submitters: Uncertain significance (3). Last evaluated 2026-02-02.

Conditions:
Epilepsy, familial focal, with variable foci 3 (FFEVF3). Identifiers: MedGen C4310708, MONDO:0014925, OMIM 617118.

Allele frequency attached by ClinVar (database versions not stated): gnomAD 0.00005 and 0.00006; gnomAD exomes 0.00008; TOPMed 0.00008; ExAC 0.00010.
gnomAD v4.1: 221 of 1,598,766 alleles (0.014%); highest among the groups gnomAD compares: Non-Finnish European, 0.018%; no homozygotes.

Submissions (3):

Labcorp Genetics (formerly Invitae), Labcorp
Classification: Uncertain significance for Epilepsy, familial focal, with variable foci 3. Last evaluated: 2026-02-02. Review status: criteria provided, single submitter. Criteria: Invitae Variant Classification Sherloc (09022015). Collection method: clinical testing. Allele origin: germline.
Comment: This sequence change replaces arginine, which is basic and polar, with glutamine, which is neutral and polar, at codon 433 of the NPRL3 protein (p.Arg433Gln). This variant is present in population databases (rs781225056, gnomAD 0.02%). This variant has not been reported in the literature in individuals affected with NPRL3-related conditions. ClinVar contains an entry for this variant (Variation ID: 962872). Invitae Evidence Modeling of protein sequence and biophysical properties (such as structural, functional, and spatial information, amino acid conservation, physicochemical variation, residue mobility, and thermodynamic stability) indicates that this missense variant is not expected to disrupt NPRL3 protein function with a negative predictive value of 80%. Algorithms developed to predict the effect of sequence changes on RNA splicing suggest that this variant may disrupt the consensus splice site. In summary, the available evidence is currently insufficient to determine the role of this variant in disease. Therefore, it has been classified as a Variant of Uncertain Significance.

CeGaT Center for Human Genetics Tuebingen
Classification: Uncertain significance. Last evaluated: 2025-02-01. Review status: criteria provided, single submitter. Criteria: CeGaT Center For Human Genetics Tuebingen Variant Classification Criteria Version 2. Collection method: clinical testing. Allele origin: germline. Affected: yes. Observed: 1 variant allele.
Comment: NPRL3: PP3

Department of Pathology and Laboratory Medicine, Sinai Health System
Classification: Uncertain significance for Epilepsy, familial focal, with variable foci 3. Last evaluated: 2022-05-10. Review status: criteria provided, single submitter. Criteria: ACMG Guidelines, 2015. Collection method: research. Allele origin: germline.